The following is an entry in ClinVar:

ClinVar aggregate classification (germline): Uncertain significance. Review status: criteria provided, multiple submitters, no conflicts (2 of 4 stars). 2 submissions from 2 submitters: Uncertain significance (2). Last evaluated 2025-07-22.

gnomAD v4.1: 5 of 1,610,274 alleles (0.00031%); highest among the groups gnomAD compares: East Asian, 0.0022%; no homozygotes.

Submissions (2):

Labcorp Genetics (formerly Invitae), Labcorp
Classification: Uncertain significance. Last evaluated: 2025-07-22. Review status: criteria provided, single submitter. Criteria: Invitae Variant Classification Sherloc (09022015). Collection method: clinical testing. Allele origin: germline.
Comment: This sequence change replaces arginine, which is basic and polar, with tryptophan, which is neutral and slightly polar, at codon 400 of the ESRRB protein (p.Arg400Trp). This variant is present in population databases (no rsID available, gnomAD 0.006%). This missense change has been observed in individual(s) with sensorineural deafness (internal data). ClinVar contains an entry for this variant (Variation ID: 3276518). An algorithm developed to predict the effect of missense changes on protein structure and function (PolyPhen-2) suggests that this variant is likely to be tolerated. In summary, the available evidence is currently insufficient to determine the role of this variant in disease. Therefore, it has been classified as a Variant of Uncertain Significance.

Ambry Genetics
Classification: Uncertain significance. Last evaluated: 2024-06-18. Review status: criteria provided, single submitter. Criteria: Ambry Variant Classification Scheme 2023. Collection method: clinical testing. Allele origin: germline.

NM_001379180.1(ESRRB):c.1261C>T (p.Arg421Trp)

Gene: ESRRB (estrogen related receptor beta; plus strand). Cytogenetic location: 14q24.3.
Variant type: single nucleotide variant.
Coding change: c.1261C>T on transcript NM_001379180.1 (MANE Select); coding-DNA position 1261, C replaced by T.
Protein change: p.Arg421Trp; replaces arginine 421 with tryptophan.
Molecular consequence: missense variant.
Genome position (GRCh38, 1-based): chr14:76,498,354, C>T. VCF-style: chr14-76498354-C-T. GRCh37 (hg19) VCF-style: chr14-76964697-C-T.
Other names: c.1213C>T, p.Arg405Trp (NM_001411038.1); c.1198C>T, p.Arg400Trp (NM_004452.4); short protein forms R421W, R405W, R400W.
Identifiers: ClinVar variation 3276518 (VCV003276518.2).